The following is an entry in ClinVar:

NM_005228.5(EGFR):c.1498+1G>T

Gene: EGFR (epidermal growth factor receptor; plus strand). Cytogenetic location: 7p11.2.
Variant type: single nucleotide variant.
Coding change: c.1498+1G>T on transcript NM_005228.5 (MANE Select); the canonical splice donor site of the intron after coding-DNA position 1498, G replaced by T.
Molecular consequence: splice donor variant.
Genome position (GRCh38, 1-based): chr7:55,160,339, G>T. VCF-style: chr7-55160339-G-T. GRCh37 (hg19) VCF-style: chr7-55228032-G-T.
Other names: c.1363+1G>T (NM_001346899.2, NM_001346897.2); c.697+1G>T (NM_001346941.2); c.1498+1G>T (NM_001346898.2, NM_201284.2, NM_201282.2); c.1339+1G>T (NM_001346900.2).
Identifiers: ClinVar variation 2028937 (VCV002028937.5), dbSNP rs2535549224, ClinGen allele CA367579750.

ClinVar aggregate classification (germline): Likely pathogenic (1 of 4 stars; one submission).

Conditions:
EGFR-related lung cancer (EGFR). Identifiers: MedGen CN130014.

Submissions (2):

Labcorp Genetics (formerly Invitae), Labcorp
Classification: Likely pathogenic for EGFR-related lung cancer. Last evaluated: 2022-09-03. Review status: criteria provided, single submitter. Criteria: Invitae Variant Classification Sherloc (09022015). Collection method: clinical testing. Allele origin: germline.
Comment: This variant has not been reported in the literature in individuals affected with EGFR-related conditions. Algorithms developed to predict the effect of sequence changes on RNA splicing suggest that this variant may disrupt the consensus splice site. In summary, the currently available evidence indicates that the variant is pathogenic, but additional data are needed to prove that conclusively. Therefore, this variant has been classified as Likely Pathogenic. This sequence change affects a donor splice site in intron 12 of the EGFR gene. It is expected to disrupt RNA splicing. Variants that disrupt the donor or acceptor splice site typically lead to a loss of protein function (PMID: 16199547), and loss-of-function variants in EGFR are known to be pathogenic (PMID: 7630400, 28726809, 29899996). This variant is not present in population databases (gnomAD no frequency).

Dr. Peter K. Rogan Lab, Western University
No classification provided (evidence only). Condition: Thyroid cancer, nonmedullary, 1. Review status: no classification provided. Collection method: in vitro. Allele origin: not applicable. Functional consequence: retained intron. Not counted in ClinVar's aggregate classification.

Literature cited by the submitters: PubMed 16199547 (cited by Labcorp Genetics (formerly Invitae), Labcorp); PubMed 7630400 (cited by Labcorp Genetics (formerly Invitae), Labcorp); PubMed 28726809 (cited by Labcorp Genetics (formerly Invitae), Labcorp); PubMed 29899996 (cited by Labcorp Genetics (formerly Invitae), Labcorp).